The following is an entry in ClinVar:

NM_152305.3(POGLUT1):c.190G>A (p.Asp64Asn)

Gene: POGLUT1 (protein O-glucosyltransferase 1; plus strand). Cytogenetic location: 3q13.33.
Variant type: single nucleotide variant.
Coding change: c.190G>A on transcript NM_152305.3 (MANE Select); coding-DNA position 190, G replaced by A.
Protein change: p.Asp64Asn; replaces aspartic acid 64 with asparagine.
Molecular consequence: missense variant. On other transcripts: non-coding transcript variant (1).
Genome position (GRCh38, 1-based): chr3:119,471,322, G>A. VCF-style: chr3-119471322-G-A. GRCh37 (hg19) VCF-style: chr3-119190169-G-A.
Other names: short protein forms D64N.
Identifiers: ClinVar variation 4752479 (VCV004752479.1).

ClinVar aggregate classification (germline): Uncertain significance (1 of 4 stars; one submission).

gnomAD v4.1: 12 of 1,614,024 alleles (0.00074%); highest among the groups gnomAD compares: Non-Finnish European, 0.001%; no homozygotes.

Submission:

Labcorp Genetics (formerly Invitae), Labcorp
Classification: Uncertain significance. Last evaluated: 2025-06-23. Review status: criteria provided, single submitter. Criteria: Invitae Variant Classification Sherloc (09022015). Collection method: clinical testing. Allele origin: germline.
Comment: This sequence change replaces aspartic acid, which is acidic and polar, with asparagine, which is neutral and polar, at codon 64 of the POGLUT1 protein (p.Asp64Asn). This variant is not present in population databases (gnomAD no frequency). This variant has not been reported in the literature in individuals affected with POGLUT1-related conditions. Invitae Evidence Modeling of protein sequence and biophysical properties (such as structural, functional, and spatial information, amino acid conservation, physicochemical variation, residue mobility, and thermodynamic stability) indicates that this missense variant is not expected to disrupt POGLUT1 protein function with a negative predictive value of 80%. In summary, the available evidence is currently insufficient to determine the role of this variant in disease. Therefore, it has been classified as a Variant of Uncertain Significance.